The following is an entry in ClinVar:

ClinVar aggregate classification (germline): Uncertain significance (1 of 4 stars; one submission).

Conditions:
CHARGE syndrome (CHARGE). Also called: Hittner Hirsch Kreh syndrome; CHARGE ASSOCIATION--COLOBOMA, HEART ANOMALY, CHOANAL ATRESIA, RETARDATION, GENITAL AND EAR ANOMALIES; Coloboma, heart anomaly, choanal atresia, retardation, genital and ear anomalies; CHARGE association; Hall-Hittner syndrome. Identifiers: Orphanet 138, MedGen C0265354, MONDO:0008965.

gnomAD v4.1: 1 of 1,607,740 alleles (0.000062%); highest among the groups gnomAD compares: East Asian, 0.0022%; no homozygotes.

Submission:

Laboratorio de Genetica e Diagnostico Molecular, Hospital Israelita Albert Einstein
Classification: Uncertain significance for CHD7-related CHARGE syndrome. Last evaluated: 2022-11-04. Review status: criteria provided, single submitter. Criteria: ACMG Guidelines, 2015. Collection method: clinical testing. Allele origin: germline. Affected: yes. Observed: 1 variant allele.
Comment: ACMG classification criteria: PM2 moderated, PP2 supporting, BP4 supporting

NM_017780.4(CHD7):c.8329C>A (p.Pro2777Thr)

Gene: CHD7 (chromodomain helicase DNA binding protein 7; plus strand). Cytogenetic location: 8q12.2.
Variant type: single nucleotide variant.
Coding change: c.8329C>A on transcript NM_017780.4 (MANE Select); coding-DNA position 8329, C replaced by A.
Protein change: p.Pro2777Thr; replaces proline 2777 with threonine.
Molecular consequence: missense variant.
Genome position (GRCh38, 1-based): chr8:60,865,268, C>A. VCF-style: chr8-60865268-C-A. GRCh37 (hg19) VCF-style: chr8-61777827-C-A.
Other names: c.2182C>A, p.Pro728Thr (NM_001316690.1); short protein forms P2777T, P728T.
Identifiers: ClinVar variation 2431389 (VCV002431389.1), dbSNP rs2488145408, ClinGen allele CA371308425.